The following is an entry in ClinVar:

ClinVar aggregate classification (germline): Benign (1 of 4 stars; one submission).

Allele frequency attached by ClinVar (database versions not stated): 1000 Genomes Project 0.00359; 1000 Genomes Project 30x 0.00390; ExAC 0.00583; TOPMed 0.00607; gnomAD 0.00613; ESP Exome Variant Server 0.00708; gnomAD exomes 0.00982.
gnomAD v4.1: 15,097 of 1,614,218 alleles (0.94%); highest among the groups gnomAD compares: Non-Finnish European, 1.2%; 90 homozygotes.

Submission:

CeGaT Center for Human Genetics Tuebingen
Classification: Benign. Last evaluated: 2026-08-01. Review status: criteria provided, single submitter. Criteria: CeGaT Center For Human Genetics Tuebingen Variant Classification Criteria Version 2. Collection method: clinical testing. Allele origin: germline. Affected: yes. Observed: 19 variant alleles.
Comment: PHKG2: BS1, BS2

NM_000294.3(PHKG2):c.*2344G>A

Genes: CFAP119 (cilia and flagella associated protein 119; minus strand), PHKG2 (phosphorylase kinase catalytic subunit gamma 2; plus strand). Cytogenetic location: 16p11.2.
Variant type: single nucleotide variant.
Coding change: c.*2344G>A on transcript NM_000294.3 (MANE Select); 2344 bases downstream of the stop codon, G replaced by A.
Molecular consequence: 3 prime UTR variant. On other transcripts: synonymous variant (1), intron variant (1).
Genome position (GRCh38, 1-based): chr16:30,759,441, G>A. VCF-style: chr16-30759441-G-A. GRCh37 (hg19) VCF-style: chr16-30770762-G-A.
Other names: c.558C>T, p.Ile186= (NM_001014979.3); c.1084-678G>A (NM_001172432.2).
Identifiers: ClinVar variation 2646417 (VCV002646417.24), dbSNP rs117306997, ClinGen allele CA8013605.